The following is an entry in ClinVar:

ClinVar aggregate classification (germline): Pathogenic (1 of 4 stars; one submission).

Allele frequency attached by ClinVar (database versions not stated): gnomAD exomes below 0.00001.
gnomAD v4.1: 2 of 1,613,232 alleles (0.00012%); highest among the groups gnomAD compares: South Asian, 0.0011%; no homozygotes.

Submission:

Labcorp Genetics (formerly Invitae), Labcorp
Classification: Pathogenic. Last evaluated: 2023-05-13. Review status: criteria provided, single submitter. Criteria: Invitae Variant Classification Sherloc (09022015). Collection method: clinical testing. Allele origin: germline.
Comment: For these reasons, this variant has been classified as Pathogenic. This sequence change creates a premature translational stop signal (p.Trp1538*) in the ITGB4 gene. It is expected to result in an absent or disrupted protein product. Loss-of-function variants in ITGB4 are known to be pathogenic (PMID: 11328943, 16473856). This variant is not present in population databases (gnomAD no frequency). This variant has not been reported in the literature in individuals affected with ITGB4-related conditions.

Literature cited by the submitters: PubMed 11328943; PubMed 16473856.

NM_000213.5(ITGB4):c.4823G>A (p.Trp1608Ter)

Genes: GALK1 (galactokinase 1; minus strand), ITGB4 (integrin subunit beta 4; plus strand). Cytogenetic location: 17q25.1.
Variant type: single nucleotide variant.
Coding change: c.4823G>A on transcript NM_000213.5 (MANE Select); coding-DNA position 4823, G replaced by A.
Protein change: p.Trp1608Ter; replaces tryptophan 1608 with a stop codon.
Molecular consequence: nonsense. On other transcripts: intron variant (1).
Genome position (GRCh38, 1-based): chr17:75,756,543, G>A. VCF-style: chr17-75756543-G-A. GRCh37 (hg19) VCF-style: chr17-73752624-G-A.
Other names: c.4772G>A, p.Trp1591Ter (NM_001005619.2); c.4613G>A, p.Trp1538Ter (NM_001005731.3, NM_001321123.2); c.4463G>A, p.Trp1488Ter (NM_001438834.1); c.*22+1491C>T (NM_001381985.1); short protein forms W1538*, W1591*, W1608*, W1488*.
Identifiers: ClinVar variation 2858515 (VCV002858515.3), dbSNP rs2545884988, ClinGen allele CA401090136.